The following is an entry in ClinVar:

ClinVar aggregate classification (germline): Conflicting classifications of pathogenicity. Review status: criteria provided, conflicting classifications (1 of 4 stars). 12 submissions from 12 submitters: Uncertain significance (1); Benign (5); Likely benign (3). 3 of the submissions do not count toward it. Last evaluated 2026-09-01.

Conditions:
VPS13A-related neurodegenerative disease. Also called: ACANTHOCYTOSIS WITH NEUROLOGIC DISORDER; Choreoacanthocytosis; Chorea-acanthocytosis; VPS13A Disease; LEVINE-CRITCHLEY SYNDROME; Choreaacanthocytosis. Identifiers: Orphanet 2388, MedGen C0393576, MONDO:0008695, OMIM 200150.

Allele frequency attached by ClinVar (database versions not stated): 1000 Genomes Project 30x 0.00312; 1000 Genomes Project 0.00319; gnomAD 0.00532 and 0.00534; ESP Exome Variant Server 0.00607; ExAC 0.00436; gnomAD exomes 0.00457; TOPMed 0.00529.
gnomAD v4.1: 13,366 of 1,613,384 alleles (0.83%); highest among the groups gnomAD compares: Non-Finnish European, 1%; 73 homozygotes.

Submissions (12):

CeGaT Center for Human Genetics Tuebingen
Classification: Benign. Last evaluated: 2026-09-01. Review status: criteria provided, single submitter. Criteria: CeGaT Center For Human Genetics Tuebingen Variant Classification Criteria Version 2. Collection method: clinical testing. Allele origin: germline. Affected: yes. Observed: 21 variant alleles.
Comment: VPS13A: BP4, BS1, BS2

Labcorp Genetics (formerly Invitae), Labcorp
Classification: Likely benign. Last evaluated: 2026-02-04. Review status: criteria provided, single submitter. Criteria: Invitae Variant Classification Sherloc (09022015). Collection method: clinical testing. Allele origin: germline.

ARUP Laboratories, Molecular Genetics and Genomics, ARUP Laboratories
Classification: Benign for VPS13A-related neurodegenerative disease. Last evaluated: 2025-05-01. Review status: criteria provided, single submitter. Criteria: ARUP Molecular Germline Variant Investigation Process 2024. Collection method: clinical testing. Allele origin: germline.

Blueprint Genetics
Classification: Likely benign. Last evaluated: 2024-11-26. Review status: criteria provided, single submitter. Criteria: ACMG Guidelines, 2015. Collection method: clinical testing. Allele origin: germline.

Mayo Clinic Laboratories, Mayo Clinic
Classification: Benign. Last evaluated: 2024-02-26. Review status: criteria provided, single submitter. Criteria: ACMG Guidelines, 2015. Collection method: clinical testing. Allele origin: germline. Observed: 8 variant alleles.
Comment: BS1, BS2, BP4

GeneDx
Classification: Benign. Last evaluated: 2018-10-25. Review status: criteria provided, single submitter. Criteria: GeneDx Variant Classification Process June 2021. Collection method: clinical testing. Allele origin: germline. Affected: yes.

Baylor Genetics
Classification: Uncertain significance for VPS13A-related neurodegenerative disease. Last evaluated: 2018-07-16. Review status: criteria provided, single submitter. Criteria: ACMG Guidelines, 2015. Collection method: clinical testing. Allele origin: unknown. Affected: yes.
Comment: This variant was determined to be of uncertain significance according to ACMG Guidelines, 2015 [PMID:25741868].

Athena Diagnostics
Classification: Likely benign. Last evaluated: 2018-05-14. Review status: criteria provided, single submitter. Criteria: Athena Diagnostics Criteria. Collection method: clinical testing. Allele origin: germline.

Illumina Laboratory Services, Illumina
Classification: Benign for VPS13A-related neurodegenerative disease. Last evaluated: 2017-04-27. Review status: criteria provided, single submitter. Criteria: ICSL Variant Classification Criteria 13 December 2019. Collection method: clinical testing. Allele origin: germline.
Comment: This variant was observed as part of a predisposition screen in an ostensibly healthy population. A literature search was performed for the gene, cDNA change, and amino acid change (where applicable). No publications were found based on this search. Allele frequency data from public databases was too high to be consistent with this variant causing disease. Therefore, this variant is classified as benign.

Clinical Genetics DNA and cytogenetics Diagnostics Lab, Erasmus MC, Erasmus Medical Center
Classification: Likely benign. Review status: no assertion criteria provided. Collection method: clinical testing. Allele origin: germline. Affected: yes. Study: VKGL Data-share Consensus. Not counted in ClinVar's aggregate classification.

Diagnostic Laboratory, Department of Genetics, University Medical Center Groningen
Classification: Likely benign for VPS13A-related neurodegenerative disease. Review status: no assertion criteria provided. Collection method: clinical testing. Allele origin: germline. Affected: yes. Study: VKGL Data-share Consensus. Not counted in ClinVar's aggregate classification.

Genome Diagnostics Laboratory, Amsterdam University Medical Center
Classification: Benign. Review status: no assertion criteria provided. Collection method: clinical testing. Allele origin: germline. Affected: yes. Study: VKGL Data-share Consensus. Not counted in ClinVar's aggregate classification.

NM_033305.3(VPS13A):c.4760A>G (p.Tyr1587Cys)

Gene: VPS13A (vacuolar protein sorting 13 homolog A; plus strand). Cytogenetic location: 9q21.2.
Variant type: single nucleotide variant.
Coding change: c.4760A>G on transcript NM_033305.3 (MANE Select); coding-DNA position 4760, A replaced by G.
Protein change: p.Tyr1587Cys; replaces tyrosine 1587 with cysteine.
Molecular consequence: missense variant.
Genome position (GRCh38, 1-based): chr9:77,316,303, A>G. VCF-style: chr9-77316303-A-G. GRCh37 (hg19) VCF-style: chr9-79931219-A-G.
Other names: c.4643A>G, p.Tyr1548Cys (NM_001018037.2); c.4760A>G, p.Tyr1587Cys (NM_001018038.3, NM_015186.4); short protein forms Y1587C, Y1548C.
Identifiers: ClinVar variation 448864 (VCV000448864.66), dbSNP rs149840356, ClinGen allele CA5092598.
Genomic context (GRCh38, chr9:77,316,303, plus strand): 5'-CTGACATGACAAAAAATGATGCTCCTGCTTTAGTCATTACAACACAATGTGAAATTTGCT[A>G]TAAAGGTAACCTTGAAAATAGTACAATGACTGCTGCCATTAAAGATCTCCAAGTGAGAGC-3'
Protein context (NP_150648.2, residues 1577-1597): LVITTQCEIC[Tyr1587Cys]KGNLENSTMT